The following is an entry in ClinVar:

ClinVar aggregate classification (germline): Uncertain significance (1 of 4 stars; one submission).

Conditions:
Ataxia-telangiectasia syndrome (AT). Also called: LOUIS-BAR SYNDROME; Cerebello-oculocutaneous telangiectasia; Immunodeficiency with ataxia telangiectasia; Ataxia telangiectasia (A-T); Ataxia-telangiectasia, complementation group D; AT, COMPLEMENTATION GROUP C. Identifiers: Orphanet 100, MedGen C0004135, MONDO:0008840, OMIM 208900.

Submission:

Labcorp Genetics (formerly Invitae), Labcorp
Classification: Uncertain significance for Ataxia-telangiectasia syndrome. Last evaluated: 2022-10-27. Review status: criteria provided, single submitter. Criteria: Invitae Variant Classification Sherloc (09022015). Collection method: clinical testing. Allele origin: germline.
Comment: This variant has not been reported in the literature in individuals affected with ATM-related conditions. In summary, the available evidence is currently insufficient to determine the role of this variant in disease. Therefore, it has been classified as a Variant of Uncertain Significance. Algorithms developed to predict the effect of missense changes on protein structure and function (SIFT, PolyPhen-2, Align-GVGD) all suggest that this variant is likely to be tolerated. This variant is not present in population databases (gnomAD no frequency). This sequence change replaces threonine, which is neutral and polar, with lysine, which is basic and polar, at codon 2172 of the ATM protein (p.Thr2172Lys).

NM_000051.4(ATM):c.6515C>A (p.Thr2172Lys)

Genes: ATM (ATM serine/threonine kinase; plus strand), C11orf65 (chromosome 11 open reading frame 65; minus strand). Cytogenetic location: 11q22.3.
Variant type: single nucleotide variant.
Coding change: c.6515C>A on transcript NM_000051.4 (MANE Select); coding-DNA position 6515, C replaced by A.
Protein change: p.Thr2172Lys; replaces threonine 2172 with lysine.
Molecular consequence: missense variant. On other transcripts: intron variant (2).
Genome position (GRCh38, 1-based): chr11:108,321,363, C>A. VCF-style: chr11-108321363-C-A. GRCh37 (hg19) VCF-style: chr11-108192090-C-A.
Other names: c.6515C>A, p.Thr2172Lys (NM_001351834.2); c.641-12292G>T (NM_001330368.2); c.*39-12292G>T (NM_001351110.2); short protein forms T2172K.
Identifiers: ClinVar variation 2810193 (VCV002810193.3), dbSNP rs2136240737, ClinGen allele CA382554141.